The following is an entry in ClinVar:

ClinVar aggregate classification (germline): Likely benign. Review status: criteria provided, multiple submitters, no conflicts (2 of 4 stars). 3 submissions from 3 submitters: Likely benign (2). 1 of the submissions does not count toward it. Last evaluated 2026-06-01.

Conditions:
Frontotemporal dementia and/or amyotrophic lateral sclerosis 6 (FTDALS6). Also called: VCP-Related Amyotrophic Lateral Sclerosis/Frontotemporal Dementia; VCP-Related Amyotrophic Lateral Sclerosis. Identifiers: Orphanet 275872, Orphanet 803, MedGen C5436279, MONDO:0013501, OMIM 613954.
Inclusion body myopathy with Paget disease of bone and frontotemporal dementia. Also called: Inclusion body myopathy with early-onset Paget disease and frontotemporal dementia. Identifiers: Orphanet 52430, MedGen C1833662, MONDO:0000507.
VCP-related disorder. Also called: VCP-related disorders; VCP-related condition.

Allele frequency attached by ClinVar (database versions not stated): gnomAD exomes 0.00001; ExAC 0.00002; TOPMed 0.00002; gnomAD 0.00003.
gnomAD v4.1: 22 of 1,614,042 alleles (0.0014%); highest among the groups gnomAD compares: Admixed American, 0.0083%; no homozygotes.

Submissions (3):

CeGaT Center for Human Genetics Tuebingen
Classification: Likely benign. Last evaluated: 2026-06-01. Review status: criteria provided, single submitter. Criteria: CeGaT Center For Human Genetics Tuebingen Variant Classification Criteria Version 2. Collection method: clinical testing. Allele origin: germline. Affected: yes. Observed: 1 variant allele.
Comment: VCP: BP4, BP7

Labcorp Genetics (formerly Invitae), Labcorp
Classification: Likely benign for Inclusion body myopathy with Paget disease of bone and frontotemporal dementia; Frontotemporal dementia and/or amyotrophic lateral sclerosis 6. Last evaluated: 2025-03-20. Review status: criteria provided, single submitter. Criteria: Invitae Variant Classification Sherloc (09022015). Collection method: clinical testing. Allele origin: germline.

PreventionGenetics, part of Exact Sciences
Classification: Likely benign for VCP-related condition. Last evaluated: 2020-03-23. Review status: no assertion criteria provided. Collection method: clinical testing. Allele origin: germline. Not counted in ClinVar's aggregate classification.
Comment: This variant is classified as likely benign based on ACMG/AMP sequence variant interpretation guidelines (Richards et al. 2015 PMID: 25741868, with internal and published modifications).

NM_007126.5(VCP):c.1383A>G (p.Pro461=)

Gene: VCP (valosin containing protein; minus strand). Cytogenetic location: 9p13.3.
Variant type: single nucleotide variant.
Coding change: c.1383A>G on transcript NM_007126.5 (MANE Select); coding-DNA position 1383, A replaced by G.
Protein change: p.Pro461=; no amino-acid change (proline 461 retained).
Molecular consequence: synonymous variant.
Genome position (GRCh38, 1-based): chr9:35,060,900, T>C on the plus strand (A>G on the coding strand, the complement: VCP is on the minus strand). VCF-style: chr9-35060900-T-C. GRCh37 (hg19) VCF-style: chr9-35060897-T-C.
Other names: c.1248A>G, p.Pro416= (NM_001354927.2, NM_001354928.2).
Identifiers: ClinVar variation 2932855 (VCV002932855.7), dbSNP rs780426658, ClinGen allele CA5039259.